The following is an entry in ClinVar:

ClinVar aggregate classification (germline): Uncertain significance. Review status: criteria provided, multiple submitters, no conflicts (2 of 4 stars). 2 submissions from 2 submitters: Uncertain significance (2). Last evaluated 2025-11-02.

Conditions:
Hereditary cancer-predisposing syndrome. Also called: Hereditary Cancer Syndrome; Hereditary neoplastic syndrome; Tumor predisposition; Neoplastic Syndromes, Hereditary. Identifiers: Orphanet 140162, MedGen C0027672, MeSH D009386, MONDO:0015356.
Familial adenomatous polyposis 1 (FAP1). Also called: FAMILIAL ADENOMATOUS POLYPOSIS 1, ATTENUATED; POLYPOSIS, ADENOMATOUS INTESTINAL. Identifiers: MedGen C2713442, MONDO:0021056, OMIM 175100. Disease mechanism: loss of function.

Submissions (2):

Labcorp Genetics (formerly Invitae), Labcorp
Classification: Uncertain significance for Familial adenomatous polyposis 1. Last evaluated: 2025-11-02. Review status: criteria provided, single submitter. Criteria: Invitae Variant Classification Sherloc (09022015). Collection method: clinical testing. Allele origin: germline.
Comment: This sequence change replaces arginine, which is basic and polar, with lysine, which is basic and polar, at codon 790 of the APC protein (p.Arg790Lys). This variant is not present in population databases (gnomAD no frequency). This variant has not been reported in the literature in individuals affected with APC-related conditions. ClinVar contains an entry for this variant (Variation ID: 1790254). Invitae Evidence Modeling of protein sequence and biophysical properties (such as structural, functional, and spatial information, amino acid conservation, physicochemical variation, residue mobility, and thermodynamic stability) indicates that this missense variant is not expected to disrupt APC protein function with a negative predictive value of 95%. In summary, the available evidence is currently insufficient to determine the role of this variant in disease. Therefore, it has been classified as a Variant of Uncertain Significance.

Ambry Genetics
Classification: Uncertain significance for Hereditary cancer-predisposing syndrome. Last evaluated: 2022-10-15. Review status: criteria provided, single submitter. Criteria: Ambry Variant Classification Scheme 2023. Collection method: clinical testing. Allele origin: germline.
Comment: The p.R790K variant (also known as c.2369G>A), located in coding exon 15 of the APC gene, results from a G to A substitution at nucleotide position 2369. The arginine at codon 790 is replaced by lysine, an amino acid with highly similar properties. This amino acid position is conserved. In addition, in silico predictors for this gene do not accurately predict pathogenicity. Since supporting evidence is limited at this time, the clinical significance of this alteration remains unclear.

NM_000038.6(APC):c.2369G>A (p.Arg790Lys)

Gene: APC (APC regulator of Wnt signaling pathway; plus strand). Cytogenetic location: 5q22.2.
Variant type: single nucleotide variant.
Coding change: c.2369G>A on transcript NM_000038.6 (MANE Select); coding-DNA position 2369, G replaced by A.
Protein change: p.Arg790Lys; replaces arginine 790 with lysine.
Molecular consequence: missense variant.
Genome position (GRCh38, 1-based): chr5:112,837,963, G>A. VCF-style: chr5-112837963-G-A. GRCh37 (hg19) VCF-style: chr5-112173660-G-A.
Other names: c.2369G>A, p.Arg790Lys (NM_001127510.3, NM_001354895.2, NM_001407450.1); c.2315G>A, p.Arg772Lys (NM_001127511.3); c.2423G>A, p.Arg808Lys (NM_001354896.2, NM_001407447.1, NM_001407448.1 and 1 more transcripts); c.2399G>A, p.Arg800Lys (NM_001354897.2); c.2294G>A, p.Arg765Lys (NM_001354898.2); c.2285G>A, p.Arg762Lys (NM_001354899.2); c.2246G>A, p.Arg749Lys (NM_001354900.2); c.2192G>A, p.Arg731Lys (NM_001354901.2, NM_001407453.1); and 11 more; short protein forms R406K, R689K, R699K, R661K, R664K, R731K, R765K, R772K.
Identifiers: ClinVar variation 1790254 (VCV001790254.3), dbSNP rs1204239908, ClinGen allele CA16026532.